The following is an entry in ClinVar:

ClinVar aggregate classification (germline): Conflicting classifications of pathogenicity. Review status: criteria provided, conflicting classifications (1 of 4 stars). 2 submissions from 2 submitters: Uncertain significance (1); Likely benign (1). Last evaluated 2025-02-16.

Conditions:
Oculofaciocardiodental syndrome (MCOPS2). Identifiers: Orphanet 2712, MedGen C1846265, MONDO:0010261, OMIM 300166.

Allele frequency attached by ClinVar (database versions not stated): gnomAD 0.00001; TOPMed 0.00001.
gnomAD v4.1: 14 of 1,210,658 alleles (0.0012%); highest among the groups gnomAD compares: Non-Finnish European, 0.0012%; no homozygotes.

Submissions (2):

Laboratory of Genetics, Children's Clinical University Hospital Latvia
Classification: Likely benign. Last evaluated: 2025-02-16. Review status: criteria provided, single submitter. Criteria: ACMG Guidelines, 2015. Collection method: clinical testing. Allele origin: germline. Affected: yes.

Labcorp Genetics (formerly Invitae), Labcorp
Classification: Uncertain significance for Oculofaciocardiodental syndrome. Last evaluated: 2024-10-07. Review status: criteria provided, single submitter. Criteria: Invitae Variant Classification Sherloc (09022015). Collection method: clinical testing. Allele origin: germline.
Comment: This sequence change replaces leucine, which is neutral and non-polar, with histidine, which is basic and polar, at codon 345 of the BCOR protein (p.Leu345His). The frequency data for this variant in the population databases is considered unreliable, as metrics indicate poor data quality at this position in the gnomAD database. This variant has not been reported in the literature in individuals affected with BCOR-related conditions. An algorithm developed to predict the effect of missense changes on protein structure and function (PolyPhen-2) suggests that this variant is likely to be disruptive. In summary, the available evidence is currently insufficient to determine the role of this variant in disease. Therefore, it has been classified as a Variant of Uncertain Significance.

NM_001123385.2(BCOR):c.1034T>A (p.Leu345His)

Genes: BCOR (BCL6 corepressor; minus strand), LOC126863239 (MED14-independent group 3 enhancer GRCh37_chrX:39932994-39934193; plus strand). Cytogenetic location: Xp11.4.
Variant type: single nucleotide variant.
Coding change: c.1034T>A on transcript NM_001123385.2 (MANE Select); coding-DNA position 1034, T replaced by A.
Protein change: p.Leu345His; replaces leucine 345 with histidine.
Molecular consequence: missense variant.
Genome position (GRCh38, 1-based): chrX:40,074,312, A>T on the plus strand (T>A on the coding strand, the complement: BCOR is on the minus strand). VCF-style: chrX-40074312-A-T. GRCh37 (hg19) VCF-style: chrX-39933565-A-T.
Other names: c.1034T>A, p.Leu345His (NM_001123383.2, NM_001123384.2, NM_017745.6); short protein forms L345H.
Identifiers: ClinVar variation 2899819 (VCV002899819.4), dbSNP rs927300379, ClinGen allele CA327993583.